The following is an entry in ClinVar:

ClinVar aggregate classification (germline): Uncertain significance (1 of 4 stars; one submission).

Conditions:
Hereditary cancer-predisposing syndrome. Also called: Neoplastic Syndromes, Hereditary; Tumor predisposition; Hereditary Cancer Syndrome; Hereditary neoplastic syndrome. Identifiers: Orphanet 140162, MedGen C0027672, MeSH D009386, MONDO:0015356.

Submission:

Ambry Genetics
Classification: Uncertain significance for Hereditary cancer-predisposing syndrome. Last evaluated: 2025-12-22. Review status: criteria provided, single submitter. Criteria: Ambry Variant Classification Scheme 2023. Collection method: clinical testing. Allele origin: germline.
Comment: The p.D968G variant (also known as c.2903A>G), located in coding exon 21 of the PDGFRA gene, results from an A to G substitution at nucleotide position 2903. The aspartic acid at codon 968 is replaced by glycine, an amino acid with similar properties. This amino acid position is conserved. In addition, the in silico prediction for this alteration is inconclusive. Based on the available evidence, the clinical significance of this variant remains unclear.

NM_006206.6(PDGFRA):c.2903A>G (p.Asp968Gly)

Gene: PDGFRA (platelet derived growth factor receptor alpha; plus strand). Cytogenetic location: 4q12.
Variant type: single nucleotide variant.
Coding change: c.2903A>G on transcript NM_006206.6 (MANE Select); coding-DNA position 2903, A replaced by G.
Protein change: p.Asp968Gly; replaces aspartic acid 968 with glycine.
Molecular consequence: missense variant.
Genome position (GRCh38, 1-based): chr4:54,290,335, A>G. VCF-style: chr4-54290335-A-G. GRCh37 (hg19) VCF-style: chr4-55156502-A-G.
Other names: c.2978A>G, p.Asp993Gly (NM_001347828.2); c.2903A>G, p.Asp968Gly (NM_001347829.2); c.2942A>G, p.Asp981Gly (NM_001347830.2); short protein forms D968G, D993G, D981G.
Identifiers: ClinVar variation 4843860 (VCV004843860.1).